The following is an entry in ClinVar:

ClinVar aggregate classification (germline): Uncertain significance. Review status: criteria provided, multiple submitters, no conflicts (2 of 4 stars). 2 submissions from 2 submitters: Uncertain significance (2). Last evaluated 2024-03-25.

Conditions:
Inborn genetic diseases. Identifiers: MedGen C0950123, MeSH D030342.

Allele frequency attached by ClinVar (database versions not stated): ExAC 0.00001; gnomAD 0.00002; gnomAD exomes 0.00003.
gnomAD v4.1: 48 of 1,614,002 alleles (0.003%); highest among the groups gnomAD compares: Admixed American, 0.0083%; no homozygotes.

Submissions (2):

Ambry Genetics
Classification: Uncertain significance for Inborn genetic diseases. Last evaluated: 2024-03-25. Review status: criteria provided, single submitter. Criteria: Ambry Variant Classification Scheme 2023. Collection method: clinical testing. Allele origin: germline.

Labcorp Genetics (formerly Invitae), Labcorp
Classification: Uncertain significance. Last evaluated: 2022-07-13. Review status: criteria provided, single submitter. Criteria: Invitae Variant Classification Sherloc (09022015). Collection method: clinical testing. Allele origin: germline.
Comment: This sequence change replaces threonine, which is neutral and polar, with serine, which is neutral and polar, at codon 232 of the GTPBP3 protein (p.Thr232Ser). This variant is present in population databases (rs770664002, gnomAD 0.003%). This variant has not been reported in the literature in individuals affected with GTPBP3-related conditions. Algorithms developed to predict the effect of missense changes on protein structure and function are either unavailable or do not agree on the potential impact of this missense change (SIFT: "Deleterious"; PolyPhen-2: "Benign"; Align-GVGD: "Class C0"). In summary, the available evidence is currently insufficient to determine the role of this variant in disease. Therefore, it has been classified as a Variant of Uncertain Significance.

NM_032620.4(GTPBP3):c.664+30A>T

Gene: GTPBP3 (GTP binding protein 3, mitochondrial; plus strand). Cytogenetic location: 19p13.11.
Variant type: single nucleotide variant.
Coding change: c.664+30A>T on transcript NM_032620.4 (MANE Select); 30 bases into the intron after coding-DNA position 664, A replaced by T.
Molecular consequence: intron variant. On other transcripts: missense variant (1).
Genome position (GRCh38, 1-based): chr19:17,339,056, A>T. VCF-style: chr19-17339056-A-T. GRCh37 (hg19) VCF-style: chr19-17449865-A-T.
Other names: c.694A>T, p.Thr232Ser (NM_133644.4); c.730+30A>T (NM_001195422.1); c.664+30A>T (NM_001128855.3); c.694A>T (NM_133644.3); short protein forms T232S.
Identifiers: ClinVar variation 1970177 (VCV001970177.3), dbSNP rs770664002, ClinGen allele CA9293444.